The following is an entry in ClinVar:

NM_007294.4(BRCA1):c.4107_4110dup (p.Gly1371fs)

Gene: BRCA1 (BRCA1 DNA repair associated; minus strand). Cytogenetic location: 17q21.31.
Variant type: Duplication.
Coding change: c.4107_4110dup on transcript NM_007294.4 (MANE Select); coding-DNA positions 4107 to 4110, 4 bases duplicated (ATCT; older notation c.4107_4110dupATCT).
Protein change: p.Gly1371fs; shifts the reading frame from glycine 1371.
Molecular consequence: frameshift variant. On other transcripts: non-coding transcript variant (1).
Genome position (GRCh38, 1-based): chr17:43,091,019-43,091,022, AGAT duplicated on the plus strand (ATCT on the coding strand, the reverse complement: BRCA1 is on the minus strand). VCF-style (leftmost placement, unchanged base first): chr17-43091018-C-CAGAT. GRCh37 (hg19) VCF-style: chr17-41243035-C-CAGAT.
Other names: 4229 insATCT 1374X; c.4107_4110dupATCT (NM_007294.3); c.3906_3909dup, p.Gly1304Ilefs (NM_001407862.1); c.3984_3987dup, p.Gly1330Ilefs (NM_001407863.1, NM_001407919.1, NM_001407937.1 and 19 more transcripts); c.3903_3906dup, p.Gly1303Ilefs (NM_001407874.1, NM_001407875.1); c.3897_3900dup, p.Gly1301Ilefs (NM_001407879.1, NM_001407881.1, NM_001407882.1 and 13 more transcripts); c.3894_3897dup, p.Gly1300Ilefs (NM_001407894.1, NM_001407895.1, NM_001407896.1 and 9 more transcripts); c.3843_3846dup, p.Gly1283Ilefs (NM_001407920.1, NM_001407921.1, NM_001407922.1 and 9 more transcripts); and 46 more; short protein forms G1371fs, G268fs, G1324fs.
Identifiers: ClinVar variation 55104 (VCV000055104.7), dbSNP rs397509139, ClinGen allele CA327910.

ClinVar aggregate classification (germline): Pathogenic. Review status: reviewed by expert panel (3 of 4 stars). 2 submissions from 2 submitters: Pathogenic (1). 1 of the submissions does not count toward it. Last evaluated 2016-10-18.

Conditions:
Breast-ovarian cancer, familial, susceptibility to, 1 (BROVCA1). Also called: BRCA1 Hereditary Breast and Ovarian Cancer; OVARIAN CANCER, SUSCEPTIBILITY TO. Identifiers: Orphanet 145, MedGen C2676676, MONDO:0011450, OMIM 604370. Disease mechanism: loss of function.

Submissions (2):

Evidence-based Network for the Interpretation of Germline Mutant Alleles (ENIGMA)
Classification: Pathogenic for Breast-ovarian cancer, familial, susceptibility to, 1. Last evaluated: 2016-10-18. Review status: reviewed by expert panel. Criteria: ENIGMA BRCA1/2 Classification Criteria (2015). Collection method: curation. Allele origin: germline.
Comment: Variant allele predicted to encode a truncated non-functional protein.

Consortium of Investigators of Modifiers of BRCA1/2 (CIMBA), c/o University of Cambridge
Classification: Pathogenic for Breast-ovarian cancer, familial, susceptibility to, 1. Last evaluated: 2015-10-02. Review status: criteria provided, single submitter. Criteria: CIMBA Mutation Classification guidelines May 2016. Collection method: clinical testing. Allele origin: germline. Not counted in ClinVar's aggregate classification.